The following is an entry in ClinVar:

NM_000313.4(PROS1):c.1544G>C (p.Arg515Pro)

Gene: PROS1 (protein S; minus strand). Cytogenetic location: 3q11.1.
Variant type: single nucleotide variant.
Coding change: c.1544G>C on transcript NM_000313.4 (MANE Select); coding-DNA position 1544, G replaced by C.
Protein change: p.Arg515Pro; replaces arginine 515 with proline.
Molecular consequence: missense variant.
Genome position (GRCh38, 1-based): chr3:93,879,263, C>G on the plus strand (G>C on the coding strand, the complement: PROS1 is on the minus strand). VCF-style: chr3-93879263-C-G. GRCh37 (hg19) VCF-style: chr3-93598107-C-G.
Other names: c.1640G>C, p.Arg547Pro (NM_001314077.2); short protein forms R547P, R515P.
Identifiers: ClinVar variation 2203405 (VCV002203405.4), dbSNP rs769700380, ClinGen allele CA353672066.

ClinVar aggregate classification (germline): Likely pathogenic (1 of 4 stars; one submission).

Conditions:
Thrombophilia due to protein S deficiency, autosomal recessive (THPH6). Identifiers: Orphanet 743, MedGen C3281092, MONDO:0013791, OMIM 614514. Disease mechanism: loss of function.

Submission:

Labcorp Genetics (formerly Invitae), Labcorp
Classification: Likely pathogenic for Thrombophilia due to protein S deficiency, autosomal recessive. Last evaluated: 2022-04-12. Review status: criteria provided, single submitter. Criteria: Invitae Variant Classification Sherloc (09022015). Collection method: clinical testing. Allele origin: germline.
Comment: Algorithms developed to predict the effect of missense changes on protein structure and function are either unavailable or do not agree on the potential impact of this missense change (SIFT: "Deleterious"; PolyPhen-2: "Probably Damaging"; Align-GVGD: "Class C15"). In summary, the currently available evidence indicates that the variant is pathogenic, but additional data are needed to prove that conclusively. Therefore, this variant has been classified as Likely Pathogenic. This variant disrupts the p.Arg515 amino acid residue in PROS1. Other variant(s) that disrupt this residue have been determined to be pathogenic (PMID: 8639833, 34533296). This suggests that this residue is clinically significant, and that variants that disrupt this residue are likely to be disease-causing. Experimental studies have shown that this missense change affects PROS1 function (PMID: 15712227). This variant is also known as Arg474Pro. This missense change has been observed in individual(s) with protein S deficiency (PMID: 10613647, 15712227). It has also been observed to segregate with disease in related individuals. This variant is not present in population databases (gnomAD no frequency). This sequence change replaces arginine, which is basic and polar, with proline, which is neutral and non-polar, at codon 515 of the PROS1 protein (p.Arg515Pro).

Literature cited by the submitters: PubMed 8639833; PubMed 34533296; PubMed 15712227; PubMed 10613647.